The following is an entry in ClinVar:

ClinVar aggregate classification (germline): Uncertain significance. Review status: criteria provided, multiple submitters, no conflicts (2 of 4 stars). 3 submissions from 3 submitters: Uncertain significance (3). Last evaluated 2026-01-22.

Conditions:
LRRC8A-related disorder. Also called: LRRC8A-related condition.

Allele frequency attached by ClinVar (database versions not stated): gnomAD exomes 0.00009; ExAC 0.00006; TOPMed 0.00006; gnomAD 0.00007.
gnomAD v4.1: 147 of 1,613,380 alleles (0.0091%); highest among the groups gnomAD compares: South Asian, 0.036%; 1 homozygote.

Submissions (3):

Labcorp Genetics (formerly Invitae), Labcorp
Classification: Uncertain significance. Last evaluated: 2026-01-22. Review status: criteria provided, single submitter. Criteria: Invitae Variant Classification Sherloc (09022015). Collection method: clinical testing. Allele origin: germline.
Comment: This sequence change replaces arginine, which is basic and polar, with glutamine, which is neutral and polar, at codon 70 of the LRRC8A protein (p.Arg70Gln). This variant is present in population databases (rs762843165, gnomAD 0.03%). This variant has not been reported in the literature in individuals affected with LRRC8A-related conditions. ClinVar contains an entry for this variant (Variation ID: 2149825). An algorithm developed to predict the effect of missense changes on protein structure and function outputs the following: PolyPhen-2: "Benign". The glutamine amino acid residue is found in multiple mammalian species, which suggests that this missense change does not adversely affect protein function. In summary, the available evidence is currently insufficient to determine the role of this variant in disease. Therefore, it has been classified as a Variant of Uncertain Significance.

Ambry Genetics
Classification: Uncertain significance. Last evaluated: 2024-11-13. Review status: criteria provided, single submitter. Criteria: Ambry Variant Classification Scheme 2023. Collection method: clinical testing. Allele origin: germline.

PreventionGenetics, part of Exact Sciences
Classification: Uncertain significance for LRRC8A-related condition. Last evaluated: 2023-09-08. Review status: criteria provided, single submitter. Criteria: ACMG Guidelines, 2015. Collection method: clinical testing. Allele origin: germline.
Comment: The LRRC8A c.209G>A variant is predicted to result in the amino acid substitution p.Arg70Gln. To our knowledge, this variant has not been reported in the literature. This variant is reported in 0.026% of alleles in individuals of South Asian descent in gnomAD, which may be too common to be causative. Although we suspect that this variant may be benign, at this time, the clinical significance of this variant is uncertain due to the absence of conclusive functional and genetic evidence.

NM_019594.4(LRRC8A):c.209G>A (p.Arg70Gln)

Gene: LRRC8A (leucine rich repeat containing 8 VRAC subunit A; plus strand). Cytogenetic location: 9q34.11.
Variant type: single nucleotide variant.
Coding change: c.209G>A on transcript NM_019594.4 (MANE Select); coding-DNA position 209, G replaced by A.
Protein change: p.Arg70Gln; replaces arginine 70 with glutamine.
Molecular consequence: missense variant.
Genome position (GRCh38, 1-based): chr9:128,907,373, G>A. VCF-style: chr9-128907373-G-A. GRCh37 (hg19) VCF-style: chr9-131669652-G-A.
Other names: c.209G>A, p.Arg70Gln (NM_001127244.2, NM_001127245.2); c.209G>A (NM_001127244.1); short protein forms R70Q.
Identifiers: ClinVar variation 2149825 (VCV002149825.6), dbSNP rs762843165, ClinGen allele CA5270676.